The following is an entry in ClinVar:

ClinVar aggregate classification (germline): Uncertain significance. Review status: criteria provided, multiple submitters, no conflicts (2 of 4 stars). 3 submissions from 3 submitters: Uncertain significance (3). Last evaluated 2025-04-03.

Conditions:
Hereditary cancer-predisposing syndrome. Also called: Neoplastic Syndromes, Hereditary; Hereditary neoplastic syndrome; Tumor predisposition; Hereditary Cancer Syndrome. Identifiers: Orphanet 140162, MedGen C0027672, MeSH D009386, MONDO:0015356.
Cardiovascular phenotype. Identifiers: MedGen CN230736.
LZTR1-related schwannomatosis. Also called: Schwannomatosis 2; Schwannomatosis-2, susceptibility to. Identifiers: Orphanet 93921, MedGen C3810283, MONDO:0014299, OMIM 615670.

Submissions (3):

Labcorp Genetics (formerly Invitae), Labcorp
Classification: Uncertain significance. Last evaluated: 2025-04-03. Review status: criteria provided, single submitter. Criteria: Invitae Variant Classification Sherloc (09022015). Collection method: clinical testing. Allele origin: germline.
Comment: This sequence change replaces serine, which is neutral and polar, with isoleucine, which is neutral and non-polar, at codon 327 of the LZTR1 protein (p.Ser327Ile). This variant is not present in population databases (gnomAD no frequency). This variant has not been reported in the literature in individuals affected with LZTR1-related conditions. ClinVar contains an entry for this variant (Variation ID: 3067880). Invitae Evidence Modeling of protein sequence and biophysical properties (such as structural, functional, and spatial information, amino acid conservation, physicochemical variation, residue mobility, and thermodynamic stability) indicates that this missense variant is not expected to disrupt LZTR1 protein function with a negative predictive value of 80%. In summary, the available evidence is currently insufficient to determine the role of this variant in disease. Therefore, it has been classified as a Variant of Uncertain Significance.

Genomic Medicine Center of Excellence, King Faisal Specialist Hospital and Research Centre
Classification: Uncertain significance for LZTR1-related schwannomatosis. Last evaluated: 2024-04-04. Review status: criteria provided, single submitter. Criteria: ACMG Guidelines, 2015. Collection method: clinical testing. Allele origin: germline.

Ambry Genetics
Classification: Uncertain significance for Cardiovascular phenotype; Hereditary cancer-predisposing syndrome. Last evaluated: 2023-06-27. Review status: criteria provided, single submitter. Criteria: Ambry Variant Classification Scheme 2023. Collection method: clinical testing. Allele origin: germline.
Comment: The p.S327I variant (also known as c.980G>T), located in coding exon 9 of the LZTR1 gene, results from a G to T substitution at nucleotide position 980. The serine at codon 327 is replaced by isoleucine, an amino acid with dissimilar properties. This amino acid position is conserved. In addition, the in silico prediction for this alteration is inconclusive. Since supporting evidence is limited at this time, the clinical significance of this alteration remains unclear.

NM_006767.4(LZTR1):c.980G>T (p.Ser327Ile)

Gene: LZTR1 (leucine zipper like post translational regulator 1; plus strand). Cytogenetic location: 22q11.21.
Variant type: single nucleotide variant.
Coding change: c.980G>T on transcript NM_006767.4 (MANE Select); coding-DNA position 980, G replaced by T.
Protein change: p.Ser327Ile; replaces serine 327 with isoleucine.
Molecular consequence: missense variant.
Genome position (GRCh38, 1-based): chr22:20,991,816, G>T. VCF-style: chr22-20991816-G-T. GRCh37 (hg19) VCF-style: chr22-21346105-G-T.
Other names: c.980G>T (NM_006767.3); short protein forms S327I.
Identifiers: ClinVar variation 3067880 (VCV003067880.3), dbSNP rs1478205181, ClinGen allele CA410781635.